The following is an entry in ClinVar:

ClinVar aggregate classification (germline): Pathogenic (1 of 4 stars; one submission).

Submission:

Labcorp Genetics (formerly Invitae), Labcorp
Classification: Pathogenic. Last evaluated: 2025-07-31. Review status: criteria provided, single submitter. Criteria: Invitae Variant Classification Sherloc (09022015). Collection method: clinical testing. Allele origin: germline.
Comment: This sequence change creates a premature translational stop signal (p.Gln37Argfs*25) in the FAT4 gene. It is expected to result in an absent or disrupted protein product. Loss-of-function variants in FAT4 are known to be pathogenic (PMID: 24056717, 24913602). This variant is not present in population databases (gnomAD no frequency). This variant has not been reported in the literature in individuals affected with FAT4-related conditions. For these reasons, this variant has been classified as Pathogenic.

Literature cited by the submitters: PubMed 24056717; PubMed 24913602.

NM_001291303.3(FAT4):c.108del (p.Gln37fs)

Gene: FAT4 (FAT atypical cadherin 4; plus strand). Cytogenetic location: 4q28.1.
Variant type: Deletion.
Coding change: c.108del on transcript NM_001291303.3 (MANE Select); coding-DNA position 108, one base deleted (G; older notation c.108delG).
Protein change: p.Gln37fs; shifts the reading frame from glutamine 37.
Molecular consequence: frameshift variant. On other transcripts: intron variant (1).
Genome position (GRCh38, 1-based): chr4:125,316,519, G deleted; the last of 4 consecutive G bases (chr4:125,316,516-125,316,519); deleting any one gives the same sequence. VCF-style (leftmost placement, unchanged base first): chr4-125316515-CG-C. GRCh37 (hg19) VCF-style: chr4-126237670-CG-C.
Other names: c.108del, p.Gln37fs (NM_001291285.3, NM_001438396.1, NM_001438397.1 and 1 more transcripts); c.-55+542del (NM_001437895.1); short protein forms Q37fs.
Identifiers: ClinVar variation 4724550 (VCV004724550.1).